The following is an entry in ClinVar:

ClinVar aggregate classification (germline): Pathogenic (1 of 4 stars; one submission).

Conditions:
Multiple congenital anomalies-hypotonia-seizures syndrome 1 (MCAHS1). Also called: GLYCOSYLPHOSPHATIDYLINOSITOL BIOSYNTHESIS DEFECT 3; PIGN-CDG; Congenital disorder of glycosylation due to PIGN deficiency. Identifiers: Orphanet 280633, MedGen C3279775, MONDO:0013563, OMIM 614080.

Submission:

Labcorp Genetics (formerly Invitae), Labcorp
Classification: Pathogenic for Multiple congenital anomalies-hypotonia-seizures syndrome 1. Last evaluated: 2021-03-03. Review status: criteria provided, single submitter. Criteria: Invitae Variant Classification Sherloc (09022015). Collection method: clinical testing. Allele origin: germline.
Comment: This sequence change creates a premature translational stop signal (p.Val557*) in the PIGN gene. It is expected to result in an absent or disrupted protein product. Loss-of-function variants in PIGN are known to be pathogenic (PMID: 24253414, 27038415). This variant is not present in population databases (ExAC no frequency). This variant has not been reported in the literature in individuals with PIGN-related conditions. For these reasons, this variant has been classified as Pathogenic.

Literature cited by the submitters: PubMed 24253414; PubMed 27038415.

NM_176787.5(PIGN):c.1665_1668dup (p.Val557Ter)

Gene: PIGN (phosphatidylinositol glycan anchor biosynthesis class N; minus strand). Cytogenetic location: 18q21.33.
Variant type: Duplication.
Coding change: c.1665_1668dup on transcript NM_176787.5 (MANE Select); coding-DNA positions 1665 to 1668, 4 bases duplicated (TGAA; older notation c.1665_1668dupTGAA).
Protein change: p.Val557Ter; replaces valine 557 with a stop codon.
Molecular consequence: nonsense.
Genome position (GRCh38, 1-based): chr18:62,106,992-62,106,995, TTCA duplicated on the plus strand (TGAA on the coding strand, the reverse complement: PIGN is on the minus strand). VCF-style (leftmost placement, unchanged base first): chr18-62106991-C-CTTCA. GRCh37 (hg19) VCF-style: chr18-59774224-C-CTTCA.
Other names: c.1665_1668dup, p.Val557Ter (NM_012327.6); short protein forms V557*.
Identifiers: ClinVar variation 1439160 (VCV001439160.6), dbSNP rs2146439342, ClinGen allele CA2573155480.